The following is an entry in ClinVar:

ClinVar aggregate classification (germline): Likely pathogenic (0 of 4 stars; one submission).

Conditions:
Deficiency of aromatic-L-amino-acid decarboxylase. Also called: Aromatic L-Amino Acid Decarboxylase Deficiency; Aromatic amino acid decarboxylase deficiency; AADC DEFICIENCY; DDC DEFICIENCY; DOPA DECARBOXYLASE DEFICIENCY. Identifiers: Orphanet 35708, MedGen C1291564, MONDO:0012084, OMIM 608643.

Submission:

Department of Medical Genetics, Institute of Mother and Child, Institute of Mother and Child
Classification: Likely pathogenic for Deficiency of aromatic-L-amino-acid decarboxylase. Last evaluated: 2023-04-01. Review status: no assertion criteria provided. Collection method: clinical testing. Allele origin: germline. Affected: yes. Observed: 1 variant allele.
Comment: The c.1060G>A (p.Gly354Ser) variant was scored as likely pathogenic using the American College of Medical Genetics and Genomics (ACMG)/Association for Molecular Pathology (AMP)/Association for Clinical Genomic Science (ACGS) recommendations as described previously by Himmelreich N et al, Mol. Genet. Metab. 2022.The variant was detected in a compound heterozygous state together with c.782G>T (p.Cys261Phe) variant in DDC gene in a patient with clinical diagnosis of AADC deficiency (PMID: 37348148).

Literature cited by the submitters: PubMed 37348148.

NM_001082971.2(DDC):c.1060G>A (p.Gly354Ser)

Gene: DDC (dopa decarboxylase; minus strand). Cytogenetic location: 7p12.2.
Variant type: single nucleotide variant.
Coding change: c.1060G>A on transcript NM_001082971.2 (MANE Select); coding-DNA position 1060, G replaced by A.
Protein change: p.Gly354Ser; replaces glycine 354 with serine.
Molecular consequence: missense variant.
Genome position (GRCh38, 1-based): chr7:50,470,153, C>T on the plus strand (G>A on the coding strand, the complement: DDC is on the minus strand). VCF-style: chr7-50470153-C-T. GRCh37 (hg19) VCF-style: chr7-50537851-C-T.
Other names: c.1060G>A, p.Gly354Ser (NM_000790.4); c.946G>A, p.Gly316Ser (NM_001242886.2); c.916G>A, p.Gly306Ser (NM_001242887.2); c.826G>A, p.Gly276Ser (NM_001242888.2); c.781G>A, p.Gly261Ser (NM_001242889.2); short protein forms G261S, G276S, G306S, G316S, G354S.
Identifiers: ClinVar variation 3255515 (VCV003255515.2), dbSNP rs2534986935.
Genomic context (GRCh38, chr7:50,470,153, plus strand): 5'-GTCCTTTGACTCCATACATCCTAAATACAAACCACATTTTCAAAGAGCGAAATCTTCTGC[C>T]CAGTGGTATCTGCCAATGCTGAAATGAAACATGAAACAGACCATCAGTGAGGAAGATATT-3'
Protein context (NP_001076440.2, residues 344-364): TDYRHWQIPL[Gly354Ser]RRFRSLKMWF